The following is an entry in ClinVar:

ClinVar aggregate classification (germline): Conflicting classifications of pathogenicity. Review status: criteria provided, conflicting classifications (1 of 4 stars). 3 submissions from 3 submitters: Pathogenic (2); Uncertain significance (1). Last evaluated 2024-10-24.

Conditions:
Neurodevelopmental-craniofacial syndrome with variable renal and cardiac abnormalities. Identifiers: MedGen C5561984, MONDO:0859190, OMIM 619522.

Submissions (3):

Department of Genetics, Rouen University Hospital, Normandy Center for Genomic and Personalized Medicine
Classification: Pathogenic for Neurodevelopmental-craniofacial syndrome with variable renal and cardiac abnormalities. Last evaluated: 2024-10-24. Review status: criteria provided, single submitter. Criteria: ACMG Guidelines, 2015. Collection method: clinical testing. Allele origin: paternal. Affected: yes.

Laboratory of Medical Genetics, National & Kapodistrian University of Athens
Classification: Pathogenic for Neurodevelopmental-craniofacial syndrome with variable renal and cardiac abnormalities. Last evaluated: 2022-04-06. Review status: criteria provided, single submitter. Criteria: ACMG Guidelines, 2015. Collection method: clinical testing. Allele origin: de novo. Affected: yes.
Comment: PVS1, PM2, PP3

Blueprint Genetics
Classification: Uncertain significance. Last evaluated: 2022-02-11. Review status: criteria provided, single submitter. Criteria: ACMG Guidelines, 2015. Collection method: clinical testing. Allele origin: germline.

NM_197968.4(ZMYM2):c.1856dup (p.Ser620fs)

Gene: ZMYM2 (zinc finger MYM-type containing 2; plus strand). Cytogenetic location: 13q12.11.
Variant type: Duplication.
Coding change: c.1856dup on transcript NM_197968.4 (MANE Select); coding-DNA position 1856, one base duplicated (T; older notation c.1856dupT).
Protein change: p.Ser620fs; shifts the reading frame from serine 620.
Molecular consequence: frameshift variant. On other transcripts: non-coding transcript variant (1).
Genome position (GRCh38, 1-based): chr13:20,031,323, T duplicated. VCF-style (leftmost placement, unchanged base first): chr13-20031322-C-CT. GRCh37 (hg19) VCF-style: chr13-20605462-C-CT.
Other names: c.1856dup, p.Ser620fs (NM_001190964.4, NM_001190965.4, NM_001353157.2 and 5 more transcripts); c.1661dup, p.Ser555fs (NM_001353161.3); c.1595dup, p.Ser533fs (NM_001353163.2); short protein forms S533fs, S555fs, S620fs.
Identifiers: ClinVar variation 1708147 (VCV001708147.3), dbSNP rs2503109144, ClinGen allele CA2575364392.